The following is an entry in ClinVar:

NM_138295.5(PKD1L1):c.7346+5dup

Genes: PKD1L1 (polycystin 1 like 1, transient receptor potential channel interacting; minus strand), PKD1L1-AS1 (PKD1L1 antisense RNA 1; plus strand). Cytogenetic location: 7p12.3.
Variant type: Duplication.
Coding change: c.7346+5dup on transcript NM_138295.5 (MANE Select); 5 bases into the intron after coding-DNA position 7346, one base duplicated (G; older notation c.7346+5dupG).
Molecular consequence: intron variant.
Genome position (GRCh38, 1-based): chr7:47,813,116, C duplicated on the plus strand (G on the coding strand, the reverse complement: PKD1L1 is on the minus strand). VCF-style (leftmost placement, unchanged base first): chr7-47813115-A-AC. GRCh37 (hg19) VCF-style: chr7-47852713-A-AC.
Identifiers: ClinVar variation 3352335 (VCV003352335.1).

ClinVar aggregate classification (germline): Uncertain significance (0 of 4 stars; one submission).

Conditions:
PKD1L1-related disorder. Also called: PKD1L1-related condition.

Submission:

PreventionGenetics, part of Exact Sciences
Classification: Uncertain significance for PKD1L1-related condition. Last evaluated: 2024-07-24. Review status: no assertion criteria provided. Collection method: clinical testing. Allele origin: germline.
Comment: The PKD1L1 c.7346+5dupG variant is predicted to result in an intronic duplication. To our knowledge, this variant has not been reported in the literature. This variant is predicted to impact the nearby splicing donor site (Jaganathan et al. 2019. PubMed ID: 30661751). This variant is reported in 0.0065% of alleles in individuals of European (Non-Finnish) descent in gnomAD. At this time, the clinical significance of this variant is uncertain due to the absence of conclusive functional and genetic evidence.